The following is an entry in ClinVar:

ClinVar aggregate classification (germline): Uncertain significance (1 of 4 stars; one submission).

Conditions:
Fabry disease. Also called: Fabry's disease; ALPHA-GALACTOSIDASE A DEFICIENCY; ANDERSON-FABRY DISEASE; CERAMIDE TRIHEXOSIDASE DEFICIENCY; GLA DEFICIENCY; HEREDITARY DYSTOPIC LIPIDOSIS. Identifiers: Orphanet 324, MedGen C0002986, MONDO:0010526, OMIM 301500, HP:0001071. Disease mechanism: Fabry disease is due to inactivating mutations in the X-linked GLA gene resulting in deficiency of the enzyme Alpha Galactosidase-A., loss of function.

Submission:

All of Us Research Program, National Institutes of Health
Classification: Uncertain significance for Fabry disease. Last evaluated: 2024-04-25. Review status: criteria provided, single submitter. Criteria: ACMG Guidelines, 2015. Collection method: clinical testing. Allele origin: germline. Inheritance: X-linked inheritance. Observed: 1 variant allele, 1 heterozygote.
Comment: This variant causes a C to T nucleotide substitution at the -3 position of intron 3 of the GLA gene. Splice site prediction tools are inconclusive regarding the impact of this variant on RNA splicing. To our knowledge, RNA studies have not been reported for this variant. This variant has not been reported in individuals affected with GLA-related disorders in the literature. This variant has not been identified in the general population by the Genome Aggregation Database (gnomAD). The available evidence is insufficient to determine the role of this variant in disease conclusively. Therefore, this variant is classified as a Variant of Uncertain Significance.

This study involves interpretation of variants in research participants for the purpose of population health screening. Participant phenotype was not available at the time of variant classification. Additional details can be found in publication PMID: 35346344, PMCID: PMC8962531

NM_000169.3(GLA):c.548-3C>T

Genes: GLA (galactosidase alpha; minus strand), RPL36A-HNRNPH2 (RPL36A-HNRNPH2 readthrough; plus strand). Cytogenetic location: Xq22.1.
Variant type: single nucleotide variant.
Coding change: c.548-3C>T on transcript NM_000169.3 (MANE Select); 3 bases into the intron before coding-DNA position 548, C replaced by T.
Molecular consequence: intron variant.
Genome position (GRCh38, 1-based): chrX:101,400,760, G>A on the plus strand (C>T on the coding strand, the complement: GLA is on the minus strand). VCF-style: chrX-101400760-G-A. GRCh37 (hg19) VCF-style: chrX-100655748-G-A.
Other names: c.300+5303G>A (NM_001199973.2); c.177+8938G>A (NM_001199974.2); c.671-3C>T (NM_001406747.1); c.548-3C>T (NM_001406748.1).
Identifiers: ClinVar variation 3386876 (VCV003386876.1).